The following is an entry in ClinVar:

NM_005027.4(PIK3R2):c.394G>A (p.Val132Met)

Gene: PIK3R2 (phosphoinositide-3-kinase regulatory subunit 2; plus strand). Cytogenetic location: 19p13.11.
Variant type: single nucleotide variant.
Coding change: c.394G>A on transcript NM_005027.4 (MANE Select); coding-DNA position 394, G replaced by A.
Protein change: p.Val132Met; replaces valine 132 with methionine.
Molecular consequence: missense variant. On other transcripts: non-coding transcript variant (2).
Genome position (GRCh38, 1-based): chr19:18,160,542, G>A. VCF-style: chr19-18160542-G-A. GRCh37 (hg19) VCF-style: chr19-18271352-G-A.
Other names: short protein forms V132M.
Identifiers: ClinVar variation 2649567 (VCV002649567.24), dbSNP rs768329567, ClinGen allele CA404803593.
Genomic context (GRCh38, chr19:18,160,542, plus strand): 5'-CCCGACTTGCCCGAGCAGTTCTCCCCACCTGATGTGGCTCCCCCTCTTCTGGTGAAGCTT[G>A]TGGAGGCCATTGAAAGGACAGGTAAGTTCCAGCCTGGCTGCAGCCCCTGGATTCTGCTTG-3'
Protein context (NP_005018.2, residues 122-142): DVAPPLLVKL[Val132Met]EAIERTGLDS

ClinVar aggregate classification (germline): Uncertain significance (1 of 4 stars; one submission).

gnomAD v4.1: 1 of 1,613,708 alleles (0.000062%); highest among the groups gnomAD compares: Non-Finnish European, 0.000085%; no homozygotes.

Submission:

CeGaT Center for Human Genetics Tuebingen
Classification: Uncertain significance. Last evaluated: 2023-04-01. Review status: criteria provided, single submitter. Criteria: CeGaT Center For Human Genetics Tuebingen Variant Classification Criteria Version 2. Collection method: clinical testing. Allele origin: germline. Affected: yes. Observed: 1 variant allele.
Comment: PIK3R2: PM2, BP4